The following is an entry in ClinVar:

NM_024675.4(PALB2):c.3268T>C (p.Phe1090Leu)

Gene: PALB2 (partner and localizer of BRCA2; minus strand). Cytogenetic location: 16p12.2.
Variant type: single nucleotide variant.
Coding change: c.3268T>C on transcript NM_024675.4 (MANE Select); coding-DNA position 3268, T replaced by C.
Protein change: p.Phe1090Leu; replaces phenylalanine 1090 with leucine.
Molecular consequence: missense variant.
Genome position (GRCh38, 1-based): chr16:23,607,946, A>G on the plus strand (T>C on the coding strand, the complement: PALB2 is on the minus strand). VCF-style: chr16-23607946-A-G. GRCh37 (hg19) VCF-style: chr16-23619267-A-G.
Other names: short protein forms F1090L.
Identifiers: ClinVar variation 657777 (VCV000657777.9), dbSNP rs1597066839, ClinGen allele CA395139705.

ClinVar aggregate classification (germline): Uncertain significance (1 of 4 stars; one submission).

Conditions:
Familial cancer of breast. Also called: Hereditary breast cancer; hereditary breast carcinoma; BREAST CANCER, FAMILIAL. Identifiers: Orphanet 227535, MedGen C0346153, MONDO:0016419, OMIM 114480. Disease mechanism: loss of function.

Submission:

Labcorp Genetics (formerly Invitae), Labcorp
Classification: Uncertain significance for Familial cancer of breast. Last evaluated: 2018-11-17. Review status: criteria provided, single submitter. Criteria: Invitae Variant Classification Sherloc (09022015). Collection method: clinical testing. Allele origin: germline.
Comment: In summary, the available evidence is currently insufficient to determine the role of this variant in disease. Therefore, it has been classified as a Variant of Uncertain Significance. Algorithms developed to predict the effect of missense changes on protein structure and function are either unavailable or do not agree on the potential impact of this missense change (SIFT: "Tolerated"; PolyPhen-2: "Possibly Damaging"; Align-GVGD: "Class C0"). This variant has not been reported in the literature in individuals with PALB2-related disease. This variant is not present in population databases (ExAC no frequency). This sequence change replaces phenylalanine with leucine at codon 1090 of the PALB2 protein (p.Phe1090Leu). The phenylalanine residue is highly conserved and there is a small physicochemical difference between phenylalanine and leucine.